The following is an entry in ClinVar:

ClinVar aggregate classification (germline): Uncertain significance. Review status: criteria provided, multiple submitters, no conflicts (2 of 4 stars). 2 submissions from 2 submitters: Uncertain significance (2). Last evaluated 2024-08-01.

Conditions:
Meckel syndrome, type 8. Identifiers: Orphanet 564, MedGen C3836857, MONDO:0013482, OMIM 613885.
Joubert syndrome 24 (JBTS24). Identifiers: Orphanet 475, MedGen C4084841, MONDO:0014724, OMIM 616654.
Inborn genetic diseases. Identifiers: MedGen C0950123, MeSH D030342.

gnomAD v4.1: 27 of 1,612,534 alleles (0.0017%); highest among the groups gnomAD compares: East Asian, 0.049%; no homozygotes.

Submissions (2):

Ambry Genetics
Classification: Uncertain significance for Inborn genetic diseases. Last evaluated: 2024-08-01. Review status: criteria provided, single submitter. Criteria: Ambry Variant Classification Scheme 2023. Collection method: clinical testing. Allele origin: germline.

Juno Genomics, Hangzhou Juno Genomics, Inc
Classification: Uncertain significance for Meckel syndrome, type 8; Joubert syndrome 24. Review status: criteria provided, single submitter. Criteria: ACMG Guidelines, 2015. Collection method: clinical testing. Allele origin: germline.
Comment: Absent from controls (or at extremely low frequency if recessive) in Genome Aggregation Database.;Multiple lines of computational evidence support a deleterious effect on the gene or gene product.

NM_024809.5(TCTN2):c.1493G>A (p.Cys498Tyr)

Gene: TCTN2 (tectonic family member 2; plus strand). Cytogenetic location: 12q24.31.
Variant type: single nucleotide variant.
Coding change: c.1493G>A on transcript NM_024809.5 (MANE Select); coding-DNA position 1493, G replaced by A.
Protein change: p.Cys498Tyr; replaces cysteine 498 with tyrosine.
Molecular consequence: missense variant.
Genome position (GRCh38, 1-based): chr12:123,697,186, G>A. VCF-style: chr12-123697186-G-A. GRCh37 (hg19) VCF-style: chr12-124181733-G-A.
Other names: c.1490G>A, p.Cys497Tyr (NM_001143850.3); c.1358G>A, p.Cys453Tyr (NM_001410989.1); short protein forms C497Y, C453Y, C498Y.
Identifiers: ClinVar variation 3454361 (VCV003454361.3).